The following is an entry in ClinVar:

ClinVar aggregate classification (germline): Uncertain significance. Review status: criteria provided, multiple submitters, no conflicts (2 of 4 stars). 2 submissions from 2 submitters: Uncertain significance (2). Last evaluated 2023-06-01.

Conditions:
Primary ciliary dyskinesia. Also called: Ciliary dyskinesia. Identifiers: Orphanet 244, MedGen C0008780, MONDO:0016575, HP:0012265.

Allele frequency attached by ClinVar (database versions not stated): gnomAD 0.00005; 1000 Genomes Project 30x 0.00031; 1000 Genomes Project 0.00040.

Submissions (2):

Ambry Genetics
Classification: Uncertain significance for Primary ciliary dyskinesia. Last evaluated: 2023-06-01. Review status: criteria provided, single submitter. Criteria: Ambry Variant Classification Scheme 2023. Collection method: clinical testing. Allele origin: germline.

Labcorp Genetics (formerly Invitae), Labcorp
Classification: Uncertain significance for Primary ciliary dyskinesia. Last evaluated: 2022-05-20. Review status: criteria provided, single submitter. Criteria: Invitae Variant Classification Sherloc (09022015). Collection method: clinical testing. Allele origin: germline.
Comment: This sequence change replaces proline, which is neutral and non-polar, with leucine, which is neutral and non-polar, at codon 503 of the DNAAF1 protein (p.Pro503Leu). This variant is present in population databases (rs557532640, gnomAD 0.05%). This variant has not been reported in the literature in individuals affected with DNAAF1-related conditions. Algorithms developed to predict the effect of missense changes on protein structure and function (SIFT, PolyPhen-2, Align-GVGD) all suggest that this variant is likely to be tolerated. In summary, the available evidence is currently insufficient to determine the role of this variant in disease. Therefore, it has been classified as a Variant of Uncertain Significance.

NM_178452.6(DNAAF1):c.1508C>T (p.Pro503Leu)

Gene: DNAAF1 (dynein axonemal assembly factor 1; plus strand). Cytogenetic location: 16q24.1.
Variant type: single nucleotide variant.
Coding change: c.1508C>T on transcript NM_178452.6 (MANE Select); coding-DNA position 1508, C replaced by T.
Protein change: p.Pro503Leu; replaces proline 503 with leucine.
Molecular consequence: missense variant.
Genome position (GRCh38, 1-based): chr16:84,170,336, C>T. VCF-style: chr16-84170336-C-T. GRCh37 (hg19) VCF-style: chr16-84203942-C-T.
Other names: c.800C>T, p.Pro267Leu (NM_001318756.1); c.1508C>T (NM_178452.4); short protein forms P267L, P503L.
Identifiers: ClinVar variation 1941321 (VCV001941321.4), dbSNP rs557532640, ClinGen allele CA8202880.